The following is an entry in ClinVar:

NM_001543.5(NDST1):c.1113C>T (p.Asp371=)

Gene: NDST1 (N-deacetylase and N-sulfotransferase 1; plus strand). Cytogenetic location: 5q33.1.
Variant type: single nucleotide variant.
Coding change: c.1113C>T on transcript NM_001543.5 (MANE Select); coding-DNA position 1113, C replaced by T.
Protein change: p.Asp371=; no amino-acid change (aspartic acid 371 retained).
Molecular consequence: synonymous variant.
Genome position (GRCh38, 1-based): chr5:150,534,883, C>T. VCF-style: chr5-150534883-C-T. GRCh37 (hg19) VCF-style: chr5-149914445-C-T.
Other names: c.1113C>T, p.Asp371= (NM_001301063.2).
Identifiers: ClinVar variation 1336300 (VCV001336300.20), dbSNP rs139282708, ClinGen allele CA3512590.

ClinVar aggregate classification (germline): Likely benign. Review status: criteria provided, multiple submitters, no conflicts (2 of 4 stars). 3 submissions from 3 submitters: Likely benign (3). Last evaluated 2024-12-08.

Allele frequency attached by ClinVar (database versions not stated): gnomAD exomes 0.00004; gnomAD 0.00014 and 0.00012; TOPMed 0.00016; ExAC 0.00007; ESP Exome Variant Server 0.00023.
gnomAD v4.1: 74 of 1,614,140 alleles (0.0046%); highest among the groups gnomAD compares: African/African-American, 0.033%; no homozygotes.

Submissions (3):

Labcorp Genetics (formerly Invitae), Labcorp
Classification: Likely benign. Last evaluated: 2024-12-08. Review status: criteria provided, single submitter. Criteria: Invitae Variant Classification Sherloc (09022015). Collection method: clinical testing. Allele origin: germline.

CeGaT Center for Human Genetics Tuebingen
Classification: Likely benign. Last evaluated: 2024-10-01. Review status: criteria provided, single submitter. Criteria: CeGaT Center For Human Genetics Tuebingen Variant Classification Criteria Version 2. Collection method: clinical testing. Allele origin: germline. Affected: yes. Observed: 1 variant allele.
Comment: NDST1: BP4, BP7

Genetic Services Laboratory, University of Chicago
Classification: Likely benign. Last evaluated: 2017-10-25. Review status: criteria provided, single submitter. Criteria: ACMG Guidelines, 2015. Collection method: clinical testing. Allele origin: germline. Affected: no.